The following is an entry in ClinVar:

NM_001170700.3(DTHD1):c.2101G>A (p.Gly701Arg)

Gene: DTHD1 (death domain containing 1; plus strand). Cytogenetic location: 4p14.
Variant type: single nucleotide variant.
Coding change: c.2101G>A on transcript NM_001170700.3 (MANE Select); coding-DNA position 2101, G replaced by A.
Protein change: p.Gly701Arg; replaces glycine 701 with arginine.
Molecular consequence: missense variant. On other transcripts: non-coding transcript variant (2).
Genome position (GRCh38, 1-based): chr4:36,316,247, G>A. VCF-style: chr4-36316247-G-A. GRCh37 (hg19) VCF-style: chr4-36317869-G-A.
Other names: c.1231G>A, p.Gly411Arg (NM_001136536.5); c.1168G>A, p.Gly390Arg (NM_001378435.1); short protein forms G390R, G411R, G701R.
Identifiers: ClinVar variation 1017686 (VCV001017686.9), dbSNP rs1385467389, ClinGen allele CA356681309.

ClinVar aggregate classification (germline): Uncertain significance (1 of 4 stars; one submission).

Allele frequency attached by ClinVar (database versions not stated): gnomAD exomes 0.00001; gnomAD 0.00002; TOPMed 0.00002.
gnomAD v4.1: 11 of 1,549,632 alleles (0.00071%); highest among the groups gnomAD compares: African/African-American, 0.0027%; no homozygotes.

Submission:

Labcorp Genetics (formerly Invitae), Labcorp
Classification: Uncertain significance. Last evaluated: 2025-09-14. Review status: criteria provided, single submitter. Criteria: Invitae Variant Classification Sherloc (09022015). Collection method: clinical testing. Allele origin: germline.
Comment: This sequence change replaces glycine, which is neutral and non-polar, with arginine, which is basic and polar, at codon 411 of the DTHD1 protein (p.Gly411Arg). This variant is present in population databases (no rsID available, gnomAD 0.01%). This variant has not been reported in the literature in individuals affected with DTHD1-related conditions. ClinVar contains an entry for this variant (Variation ID: 1017686). An algorithm developed to predict the effect of missense changes on protein structure and function (PolyPhen-2) suggests that this variant is likely to be disruptive. In summary, the available evidence is currently insufficient to determine the role of this variant in disease. Therefore, it has been classified as a Variant of Uncertain Significance.